The following is an entry in ClinVar:

NM_005591.4(MRE11):c.2085T>A (p.Asp695Glu)

Gene: MRE11 (MRE11 double strand break repair nuclease; minus strand). Cytogenetic location: 11q21.
Variant type: single nucleotide variant.
Coding change: c.2085T>A on transcript NM_005591.4 (MANE Select); coding-DNA position 2085, T replaced by A.
Protein change: p.Asp695Glu; replaces aspartic acid 695 with glutamic acid.
Molecular consequence: missense variant.
Genome position (GRCh38, 1-based): chr11:94,420,167, A>T on the plus strand (T>A on the coding strand, the complement: MRE11 is on the minus strand). VCF-style: chr11-94420167-A-T. GRCh37 (hg19) VCF-style: chr11-94153333-A-T.
Other names: c.2082T>A, p.Asp694Glu (NM_001330347.2); c.2001T>A, p.Asp667Glu (NM_005590.4); short protein forms D695E, D694E, D667E.
Identifiers: ClinVar variation 479782 (VCV000479782.5), dbSNP rs1554996712, ClinGen allele CA382372589.

ClinVar aggregate classification (germline): Uncertain significance (1 of 4 stars; one submission).

Conditions:
Hereditary cancer-predisposing syndrome. Also called: Hereditary Cancer Syndrome; Neoplastic Syndromes, Hereditary; Tumor predisposition; Hereditary neoplastic syndrome. Identifiers: Orphanet 140162, MedGen C0027672, MeSH D009386, MONDO:0015356.

Submission:

Ambry Genetics
Classification: Uncertain significance for Hereditary cancer-predisposing syndrome. Last evaluated: 2017-08-30. Review status: criteria provided, single submitter. Criteria: Ambry Variant Classification Scheme 2023. Collection method: clinical testing. Allele origin: germline.
Comment: The p.D695E variant (also known as c.2085T>A), located in coding exon 19 of the MRE11A gene, results from a T to A substitution at nucleotide position 2085. The aspartic acid at codon 695 is replaced by glutamic acid, an amino acid with highly similar properties. This amino acid position is highly conserved in available vertebrate species. In addition, this alteration is predicted to be tolerated by in silico analysis. Since supporting evidence is limited at this time, the clinical significance of this alteration remains unclear.